The following is an entry in ClinVar:

NM_005422.4(TECTA):c.668C>T (p.Pro223Leu)

Genes: TBCEL-TECTA (TBCEL-TECTA readthrough; plus strand), TECTA (tectorin alpha; plus strand). Cytogenetic location: 11q23.3.
Variant type: single nucleotide variant.
Coding change: c.668C>T on transcript NM_005422.4 (MANE Select); coding-DNA position 668, C replaced by T.
Protein change: p.Pro223Leu; replaces proline 223 with leucine.
Molecular consequence: missense variant.
Genome position (GRCh38, 1-based): chr11:121,113,596, C>T. VCF-style: chr11-121113596-C-T. GRCh37 (hg19) VCF-style: chr11-120984305-C-T.
Other names: c.1625C>T, p.Pro542Leu (NM_001378761.1); short protein forms P223L, P542L.
Identifiers: ClinVar variation 1065059 (VCV001065059.22), dbSNP rs773877361, ClinGen allele CA383023240.

ClinVar aggregate classification (germline): Uncertain significance. Review status: criteria provided, multiple submitters, no conflicts (2 of 4 stars). 4 submissions from 4 submitters: Uncertain significance (4). Last evaluated 2025-02-12.

Conditions:
TECTA-related disorder. Also called: TECTA-related condition.
Hearing impairment. Also called: Impaired Hearing. Identifiers: MedGen C1384666, MONDO:0005365, HP:0000365.
Autosomal dominant nonsyndromic hearing loss 12. Also called: DEAFNESS, AUTOSOMAL DOMINANT 8. Identifiers: Orphanet 90635, MedGen C1832187, MONDO:0011102, OMIM 601543.

gnomAD v4.1: 6 of 1,613,736 alleles (0.00037%); highest among the groups gnomAD compares: African/African-American, 0.0013%; no homozygotes.

Submissions (4):

PreventionGenetics, part of Exact Sciences
Classification: Uncertain significance for TECTA-related condition. Last evaluated: 2025-02-12. Review status: criteria provided, single submitter. Criteria: ACMG Guidelines, 2015. Collection method: clinical testing. Allele origin: germline.
Comment: The TECTA c.668C>T variant is predicted to result in the amino acid substitution p.Pro223Leu. To our knowledge, this variant has not been reported in the literature. This variant is reported in 0.00088% of alleles in individuals of European (Non-Finnish) descent in gnomAD. At this time, the clinical significance of this variant is uncertain due to the absence of conclusive functional and genetic evidence.

CeGaT Center for Human Genetics Tuebingen
Classification: Uncertain significance. Last evaluated: 2024-06-01. Review status: criteria provided, single submitter. Criteria: CeGaT Center For Human Genetics Tuebingen Variant Classification Criteria Version 2. Collection method: clinical testing. Allele origin: germline. Affected: yes. Observed: 1 variant allele.
Comment: TECTA: PP3

Department of Otolaryngology – Head & Neck Surgery, Cochlear Implant Center
Classification: Uncertain significance for Hearing impairment. Last evaluated: 2021-04-12. Review status: criteria provided, single submitter. Criteria: ClinGen HL ACMG Specifications v1. Collection method: clinical testing. Allele origin: germline. Affected: yes.
Comment: PS1_Supporting, PM2_Supporting, PP3_Supporting

Neuberg Centre For Genomic Medicine, NCGM
Classification: Uncertain significance for Autosomal dominant nonsyndromic hearing loss 12. Review status: criteria provided, single submitter. Criteria: ACMG Guidelines, 2015. Collection method: clinical testing. Allele origin: germline. Inheritance: Autosomal dominant inheritance. Affected: yes.